The following is an entry in ClinVar:

ClinVar aggregate classification (germline): Uncertain significance (1 of 4 stars; one submission).

Allele frequency attached by ClinVar (database versions not stated): ExAC 0.00002; gnomAD exomes 0.00001; gnomAD 0.00003; 1000 Genomes Project 0.00020; TOPMed 0.00005; 1000 Genomes Project 30x 0.00016.
gnomAD v4.1: 11 of 1,614,140 alleles (0.00068%); highest among the groups gnomAD compares: Admixed American, 0.012%; no homozygotes.

Submission:

Labcorp Genetics (formerly Invitae), Labcorp
Classification: Uncertain significance. Last evaluated: 2025-08-01. Review status: criteria provided, single submitter. Criteria: Invitae Variant Classification Sherloc (09022015). Collection method: clinical testing. Allele origin: germline.
Comment: This sequence change replaces proline, which is neutral and non-polar, with leucine, which is neutral and non-polar, at codon 1495 of the KMT2E protein (p.Pro1495Leu). This variant is present in population databases (rs561735890, gnomAD 0.01%). This variant has not been reported in the literature in individuals affected with KMT2E-related conditions. ClinVar contains an entry for this variant (Variation ID: 2870672). Invitae Evidence Modeling of protein sequence and biophysical properties (such as structural, functional, and spatial information, amino acid conservation, physicochemical variation, residue mobility, and thermodynamic stability) indicates that this missense variant is not expected to disrupt KMT2E protein function with a negative predictive value of 80%. In summary, the available evidence is currently insufficient to determine the role of this variant in disease. Therefore, it has been classified as a Variant of Uncertain Significance.

NM_182931.3(KMT2E):c.4484C>T (p.Pro1495Leu)

Gene: KMT2E (lysine methyltransferase 2E (inactive); plus strand). Cytogenetic location: 7q22.3.
Variant type: single nucleotide variant.
Coding change: c.4484C>T on transcript NM_182931.3 (MANE Select); coding-DNA position 4484, C replaced by T.
Protein change: p.Pro1495Leu; replaces proline 1495 with leucine.
Molecular consequence: missense variant.
Genome position (GRCh38, 1-based): chr7:105,112,240, C>T. VCF-style: chr7-105112240-C-T. GRCh37 (hg19) VCF-style: chr7-104752687-C-T.
Other names: c.4358C>T, p.Pro1453Leu (NM_001410908.1); c.4484C>T, p.Pro1495Leu (NM_018682.4); short protein forms P1495L, P1453L.
Identifiers: ClinVar variation 2870672 (VCV002870672.3), dbSNP rs561735890, ClinGen allele CA4424760.